The following is an entry in ClinVar:

NM_000059.4(BRCA2):c.3824_3827dup (p.Glu1276fs)

Gene: BRCA2 (BRCA2 DNA repair associated; plus strand). Cytogenetic location: 13q13.1.
Variant type: Duplication.
Coding change: c.3824_3827dup on transcript NM_000059.4 (MANE Select); coding-DNA positions 3824 to 3827, 4 bases duplicated (TAGA; older notation c.3824_3827dupTAGA).
Protein change: p.Glu1276fs; shifts the reading frame from glutamic acid 1276.
Molecular consequence: frameshift variant.
Genome position (GRCh38, 1-based): chr13:32,338,179-32,338,182, TAGA duplicated; duplicating any 4 consecutive bases within chr13:32,338,176-32,338,182 gives the same sequence; the c. name uses the placement nearest the transcript's 3' end. VCF-style (leftmost placement, unchanged base first): chr13-32338175-A-AAGAT. GRCh37 (hg19) VCF-style: chr13-32912312-A-AAGAT.
Other names: short protein forms E1276fs.
Identifiers: ClinVar variation 1072140 (VCV001072140.10), dbSNP rs397507688, ClinGen allele CA2499222146.
Genomic context (GRCh38, chr13:32,338,175, plus strand): 5'-GAGGTACATCCAATAAGTTTATCTTCAAGTAAATGTCATGATTCTGTTGTTTCAATGTTT[A>AAGAT]AGATAGAAAATCATAATGATAAAACTGTAAGTGAAAAAAATAATAAATGCCAACTGATAT-3'

ClinVar aggregate classification (germline): Pathogenic (1 of 4 stars; one submission).

Conditions:
Hereditary breast ovarian cancer syndrome. Also called: Hereditary breast and ovarian cancer syndrome (HBOC); Hereditary breast and/or ovarian cancer syndrome; Hereditary breast and ovarian cancer; BRCA1- and BRCA2-Associated Hereditary Breast and Ovarian Cancer; Hereditary breast and ovarian cancer syndrome; Breast and ovarian cancer. Identifiers: Orphanet 145, MedGen C0677776, MeSH D061325, MONDO:0003582. Disease mechanism: loss of function.

Submission:

Labcorp Genetics (formerly Invitae), Labcorp
Classification: Pathogenic for Hereditary breast ovarian cancer syndrome. Last evaluated: 2022-01-14. Review status: criteria provided, single submitter. Criteria: Invitae Variant Classification Sherloc (09022015). Collection method: clinical testing. Allele origin: germline.
Comment: For these reasons, this variant has been classified as Pathogenic. ClinVar contains an entry for this variant (Variation ID: 1072140). This variant has not been reported in the literature in individuals affected with BRCA2-related conditions. This variant is not present in population databases (gnomAD no frequency). This sequence change creates a premature translational stop signal (p.Glu1276Aspfs*5) in the BRCA2 gene. It is expected to result in an absent or disrupted protein product. Loss-of-function variants in BRCA2 are known to be pathogenic (PMID: 20104584).

Literature cited by the submitters: PubMed 20104584.